The following is an entry in ClinVar:

ClinVar aggregate classification (germline): Pathogenic (1 of 4 stars; one submission).

Submission:

Labcorp Genetics (formerly Invitae), Labcorp
Classification: Pathogenic. Last evaluated: 2023-10-04. Review status: criteria provided, single submitter. Criteria: Invitae Variant Classification Sherloc (09022015). Collection method: clinical testing. Allele origin: germline.
Comment: This sequence change creates a premature translational stop signal (p.Leu250Thrfs*5) in the MYO3A gene. It is expected to result in an absent or disrupted protein product. Loss-of-function variants in MYO3A are known to be pathogenic (PMID: 12032315, 23990876). This variant is not present in population databases (gnomAD no frequency). This variant has not been reported in the literature in individuals affected with MYO3A-related conditions. For these reasons, this variant has been classified as Pathogenic.

Literature cited by the submitters: PubMed 12032315; PubMed 23990876.

NM_017433.5(MYO3A):c.743dup (p.Leu250fs)

Gene: MYO3A (myosin IIIA; plus strand). Cytogenetic location: 10p12.1.
Variant type: Duplication.
Coding change: c.743dup on transcript NM_017433.5 (MANE Select); coding-DNA position 743, one base duplicated (C; older notation c.743dupC).
Protein change: p.Leu250fs; shifts the reading frame from leucine 250.
Molecular consequence: frameshift variant.
Genome position (GRCh38, 1-based): chr10:26,024,033, C duplicated; the last of 5 consecutive C bases (chr10:26,024,029-26,024,033); duplicating any one gives the same sequence. VCF-style (leftmost placement, unchanged base first): chr10-26024028-A-AC. GRCh37 (hg19) VCF-style: chr10-26312957-A-AC.
Other names: short protein forms L250fs.
Identifiers: ClinVar variation 2998455 (VCV002998455.3), dbSNP rs765119880, ClinGen allele CA2574514524.